The following is an entry in ClinVar:

NM_014795.4(ZEB2):c.674C>A (p.Ser225Ter)

Gene: ZEB2 (zinc finger E-box binding homeobox 2; minus strand). Cytogenetic location: 2q22.3.
Variant type: single nucleotide variant.
Coding change: c.674C>A on transcript NM_014795.4 (MANE Select); coding-DNA position 674, C replaced by A.
Protein change: p.Ser225Ter; replaces serine 225 with a stop codon.
Molecular consequence: nonsense.
Genome position (GRCh38, 1-based): chr2:144,404,049, G>T on the plus strand (C>A on the coding strand, the complement: ZEB2 is on the minus strand). VCF-style: chr2-144404049-G-T. GRCh37 (hg19) VCF-style: chr2-145161616-G-T.
Other names: c.602C>A, p.Ser201Ter (NM_001171653.2); short protein forms S225*, S201*.
Identifiers: ClinVar variation 212637 (VCV000212637.9), dbSNP rs797046122, ClinGen allele CA277036.

ClinVar aggregate classification (germline): Pathogenic. Review status: criteria provided, multiple submitters, no conflicts (2 of 4 stars). 3 submissions from 3 submitters: Pathogenic (3). Last evaluated 2021-11-07.

Conditions:
Mowat-Wilson syndrome (MOWS). Also called: Classic Mowat-Wilson Syndrome. Identifiers: Orphanet 2152, MedGen C1856113, MONDO:0009341, OMIM 235730.

Submissions (3):

Genome-Nilou Lab
Classification: Pathogenic for Mowat-Wilson syndrome. Last evaluated: 2021-11-07. Review status: criteria provided, single submitter. Criteria: ACMG Guidelines, 2015. Collection method: clinical testing. Allele origin: germline. Affected: no.

GeneDx
Classification: Pathogenic. Last evaluated: 2016-07-29. Review status: criteria provided, single submitter. Criteria: GeneDx Variant Classification (06012015). Collection method: clinical testing. Allele origin: germline. Affected: yes.
Comment: The S225X pathogenic variant in the ZEB2 gene has not been reported previously as a pathogenic variant nor as a benign variant, to our knowledge. This variant is predicted to cause loss of normal protein function either through protein truncation or nonsense-mediated mRNA decay. The S225X variant was not observed in approximately 6500 individuals of European and African American ancestry in the NHLBI Exome Sequencing Project, indicating it is not a common benign variant in these populations. We interpret S225X as a pathogenic variant.

Genetic Services Laboratory, University of Chicago
Classification: Pathogenic for Mowat-Wilson syndrome. Last evaluated: 2014-07-07. Review status: criteria provided, single submitter. Criteria: ACMG Guidelines, 2015. Collection method: clinical testing. Allele origin: germline. Affected: yes.